The following is an entry in ClinVar:

NM_004304.5(ALK):c.4596C>T (p.Asn1532=)

Gene: ALK (ALK receptor tyrosine kinase; minus strand). Cytogenetic location: 2p23.2.
Variant type: single nucleotide variant.
Coding change: c.4596C>T on transcript NM_004304.5 (MANE Select); coding-DNA position 4596, C replaced by T.
Protein change: p.Asn1532=; no amino-acid change (asparagine 1532 retained).
Molecular consequence: synonymous variant.
Genome position (GRCh38, 1-based): chr2:29,193,491, G>A on the plus strand (C>T on the coding strand, the complement: ALK is on the minus strand). VCF-style: chr2-29193491-G-A. GRCh37 (hg19) VCF-style: chr2-29416357-G-A.
Other names: p.Asn1532=; c.1392C>T, p.Asn464= (NM_001353765.2).
Identifiers: ClinVar variation 335687 (VCV000335687.31), dbSNP rs1881422, ClinGen allele CA1593535.

ClinVar aggregate classification (germline): Benign. Review status: criteria provided, multiple submitters, no conflicts (2 of 4 stars). 10 submissions from 10 submitters: Benign (10). Last evaluated 2026-02-04.

Conditions:
Neuroblastoma, susceptibility to, 3. Also called: ALK-Related Neuroblastic Tumor Susceptibility. Identifiers: Orphanet 635, MedGen C2751681, MONDO:0013083, OMIM 613014.
Hereditary cancer-predisposing syndrome. Also called: Tumor predisposition; Hereditary Cancer Syndrome; Neoplastic Syndromes, Hereditary; Hereditary neoplastic syndrome. Identifiers: Orphanet 140162, MedGen C0027672, MeSH D009386, MONDO:0015356.

Allele frequency attached by ClinVar (database versions not stated): gnomAD exomes 0.00467; ExAC 0.00563; gnomAD 0.01777 and 0.01874; TOPMed 0.01944; ESP Exome Variant Server 0.01961; 1000 Genomes Project 0.02316; 1000 Genomes Project 30x 0.02514.
gnomAD v4.1: 5,323 of 1,614,098 alleles (0.33%); highest among the groups gnomAD compares: African/African-American, 6.2%; 152 homozygotes.

Submissions (10):

Labcorp Genetics (formerly Invitae), Labcorp
Classification: Benign for Neuroblastoma, susceptibility to, 3. Last evaluated: 2026-02-04. Review status: criteria provided, single submitter. Criteria: Invitae Variant Classification Sherloc (09022015). Collection method: clinical testing. Allele origin: germline.

CeGaT Center for Human Genetics Tuebingen
Classification: Benign. Last evaluated: 2025-07-01. Review status: criteria provided, single submitter. Criteria: CeGaT Center For Human Genetics Tuebingen Variant Classification Criteria Version 2. Collection method: clinical testing. Allele origin: germline. Affected: yes. Observed: 1 variant allele.
Comment: ALK: BP4, BP7, BS1, BS2

ARUP Laboratories, Molecular Genetics and Genomics, ARUP Laboratories
Classification: Benign for Neuroblastoma, susceptibility to, 3. Last evaluated: 2025-05-06. Review status: criteria provided, single submitter. Criteria: ARUP Molecular Germline Variant Investigation Process 2024. Collection method: clinical testing. Allele origin: germline.

KCCC/NGS Laboratory, Kuwait Cancer Control Center
Classification: Benign for Neuroblastoma, susceptibility to, 3. Last evaluated: 2023-07-07. Review status: criteria provided, single submitter. Criteria: ACMG Guidelines, 2015. Collection method: clinical testing. Allele origin: germline. Affected: yes.

Mayo Clinic Laboratories, Mayo Clinic
Classification: Benign. Last evaluated: 2021-05-06. Review status: criteria provided, single submitter. Criteria: ACMG Guidelines, 2015. Collection method: clinical testing. Allele origin: germline. Observed: 1 variant allele.

Ambry Genetics
Classification: Benign for Hereditary cancer-predisposing syndrome. Last evaluated: 2018-09-28. Review status: criteria provided, single submitter. Criteria: Ambry Variant Classification Scheme 2023. Collection method: clinical testing. Allele origin: germline.

Illumina Laboratory Services, Illumina
Classification: Benign for Neuroblastoma, susceptibility to, 3. Last evaluated: 2018-01-12. Review status: criteria provided, single submitter. Criteria: ICSL Variant Classification Criteria 13 December 2019. Collection method: clinical testing. Allele origin: germline.
Comment: This variant was observed in the ICSL laboratory as part of a predisposition screen in an ostensibly healthy population. It had not been previously curated by ICSL or reported in the Human Gene Mutation Database (HGMD: prior to June 1st, 2018), and was therefore a candidate for classification through an automated scoring system. Utilizing variant allele frequency, disease prevalence and penetrance estimates, and inheritance mode, an automated score was calculated to assess if this variant is too frequent to cause the disease. Based on the score and internal cut-off values, a variant classified as benign is not then subjected to further curation. The score for this variant resulted in a classification of benign for this disease.

GeneDx
Classification: Benign. Last evaluated: 2017-02-21. Review status: criteria provided, single submitter. Criteria: GeneDx Variant Classification (06012015). Collection method: clinical testing. Allele origin: germline. Affected: yes.
Comment: This variant is considered likely benign or benign based on one or more of the following criteria: it is a conservative change, it occurs at a poorly conserved position in the protein, it is predicted to be benign by multiple in silico algorithms, and/or has population frequency not consistent with disease.

Women's Health and Genetics/Laboratory Corporation of America, LabCorp
Classification: Benign. Last evaluated: 2016-08-24. Review status: criteria provided, single submitter. Criteria: LabCorp Variant Classification Summary - May 2015. Collection method: clinical testing. Allele origin: germline.
Comment: Variant summary: The ALK c.4596C>T (p.Asn1532Asn) variant involves the alteration of a non-conserved nucleotide, resulting in a synonymous change. Mutation Taster predicts a benign outcome for this variant. 4/5 splice prediction tools predict no significant impact on normal splicing. In addition, ESE finder predicts that this variant may not affect ESE sites. This variant was found in 684/121410 control chromosomes (17 homozygotes), predominantly observed in the African subpopulation at a frequency of 0.0620796 (646/10406). This frequency is about 148991 times the estimated maximal expected allele frequency of a pathogenic ALK variant (0.0000004), suggesting this is likely a common benign polymorphism found primarily in the populations of African origin. The variant of interest has not, to our knowledge, been reported in affected individuals via publications. Taken together, this variant is classified as Benign.

Breakthrough Genomics
Classification: Benign. Review status: criteria provided, single submitter. Criteria: ACMG Guidelines, 2015. Collection method: not provided. Allele origin: germline. Inheritance: Unknown mechanism. Affected: yes.